The following is an entry in ClinVar:

NM_004360.5(CDH1):c.1131del (p.Thr378fs)

Gene: CDH1 (cadherin 1; plus strand). Cytogenetic location: 16q22.1.
Variant type: Deletion.
Coding change: c.1131del on transcript NM_004360.5 (MANE Select); coding-DNA position 1131, one base deleted (C; older notation c.1131delC).
Protein change: p.Thr378fs; shifts the reading frame from threonine 378.
Molecular consequence: frameshift variant. On other transcripts: 5 prime UTR variant (2).
Genome position (GRCh38, 1-based): chr16:68,812,257, C deleted; the last of 3 consecutive C bases (chr16:68,812,255-68,812,257); deleting any one gives the same sequence. VCF-style (leftmost placement, unchanged base first): chr16-68812254-TC-T. GRCh37 (hg19) VCF-style: chr16-68846157-TC-T.
Other names: c.1131del (LRG_301t1); c.1131del, p.Thr378fs (NM_001317184.2); c.-485del (NM_001317185.2); c.-689del (NM_001317186.2); short protein forms T378fs.
Identifiers: ClinVar variation 428623 (VCV000428623.8), dbSNP rs1131690812, ClinGen allele CA645369682.

ClinVar aggregate classification (germline): Pathogenic. Review status: reviewed by expert panel (3 of 4 stars). 3 submissions from 3 submitters: Pathogenic (1). 2 of the submissions do not count toward it. Last evaluated 2023-08-25.

Conditions:
CDH1-related diffuse gastric and lobular breast cancer syndrome. Also called: CDH1-related diffuse gastric and lobular breast cancer. Identifiers: MedGen CN311521, MONDO:0100488.
Hereditary cancer-predisposing syndrome. Also called: Hereditary neoplastic syndrome; Tumor predisposition; Neoplastic Syndromes, Hereditary; Hereditary Cancer Syndrome. Identifiers: Orphanet 140162, MedGen C0027672, MeSH D009386, MONDO:0015356.
Hereditary diffuse gastric adenocarcinoma (HDGC). Also called: DIFFUSE GASTRIC AND LOBULAR BREAST CANCER SYNDROME. Identifiers: Orphanet 26106, MedGen C1708349, MONDO:0007648, OMIM 137215.

Submissions (3):

Clingen Gastric Cancer Variant Curation Expert Panel
Classification: Pathogenic for CDH1-related diffuse gastric and lobular breast cancer syndrome. Last evaluated: 2023-08-25. Review status: reviewed by expert panel. Criteria: ClinGen CDH1 ACMG Specifications V3.1. Collection method: curation. Allele origin: germline. Inheritance: Autosomal dominant inheritance.
Comment: The c.1131delC p.(Thr378fs) variant is predicted to result in a premature stop codon that leads to a truncated or absent protein (PVS1, PM5_Supporting). The variant is absent in the gnomAD cohort (PM2_Supporting). This variant has been reported in at least one family meeting HDGC clinical criteria (PS4_Supporting; SCV000580700.3). In summary, this variant meets criteria to be classified as pathogenic based on the ACMG/AMP criteria applied as specified by the CDH1 Variant Curation Expert Panel (Variant Interpretation Guidelines Version 3.1): PVS1, PM2_Supporting, PS4_Supporting, PM5_Supporting.

Ambry Genetics
Classification: Pathogenic for Hereditary cancer-predisposing syndrome. Last evaluated: 2024-05-13. Review status: criteria provided, single submitter. Criteria: Ambry Variant Classification Scheme 2023. Collection method: clinical testing. Allele origin: germline. Not counted in ClinVar's aggregate classification.
Comment: The c.1131delC pathogenic mutation, located in coding exon 8 of the CDH1 gene, results from a deletion of one nucleotide at nucleotide position 1131, causing a translational frameshift with a predicted alternate stop codon (p.T378Pfs*15). This alteration is expected to result in loss of function by premature protein truncation or nonsense-mediated mRNA decay. As such, this alteration is interpreted as a disease-causing mutation.

Myriad Genetics, Inc.
Classification: Pathogenic for Hereditary diffuse gastric adenocarcinoma. Last evaluated: 2023-06-13. Review status: criteria provided, single submitter. Criteria: Myriad Autosomal Dominant, Autosomal Recessive and X-Linked Classification Criteria (2023). Collection method: clinical testing. Allele origin: unknown. Not counted in ClinVar's aggregate classification.
Comment: This variant is considered pathogenic. This variant creates a frameshift predicted to result in premature protein truncation.